The following is an entry in ClinVar:

ClinVar aggregate classification (germline): Uncertain significance. Review status: criteria provided, multiple submitters, no conflicts (2 of 4 stars). 2 submissions from 2 submitters: Uncertain significance (2). Last evaluated 2025-02-06.

Submissions (2):

Labcorp Genetics (formerly Invitae), Labcorp
Classification: Uncertain significance. Last evaluated: 2025-02-06. Review status: criteria provided, single submitter. Criteria: Invitae Variant Classification Sherloc (09022015). Collection method: clinical testing. Allele origin: germline.
Comment: This sequence change replaces threonine, which is neutral and polar, with alanine, which is neutral and non-polar, at codon 237 of the FLAD1 protein (p.Thr237Ala). This variant is present in population databases (rs781696572, gnomAD 0.006%). This variant has not been reported in the literature in individuals affected with FLAD1-related conditions. An algorithm developed to predict the effect of missense changes on protein structure and function (PolyPhen-2) suggests that this variant is likely to be disruptive. In summary, the available evidence is currently insufficient to determine the role of this variant in disease. Therefore, it has been classified as a Variant of Uncertain Significance.

Blueprint Genetics
Classification: Uncertain significance. Last evaluated: 2023-07-25. Review status: criteria provided, single submitter. Criteria: ACMG Guidelines, 2015. Collection method: clinical testing. Allele origin: germline.

NM_025207.5(FLAD1):c.709A>G (p.Thr237Ala)

Gene: FLAD1 (flavin adenine dinucleotide synthetase 1; plus strand). Cytogenetic location: 1q21.3.
Variant type: single nucleotide variant.
Coding change: c.709A>G on transcript NM_025207.5 (MANE Select); coding-DNA position 709, A replaced by G.
Protein change: p.Thr237Ala; replaces threonine 237 with alanine.
Molecular consequence: missense variant.
Genome position (GRCh38, 1-based): chr1:154,988,441, A>G. VCF-style: chr1-154988441-A-G. GRCh37 (hg19) VCF-style: chr1-154960917-A-G.
Other names: c.418A>G, p.Thr140Ala (NM_001184891.2, NM_201398.3); c.412A>G, p.Thr138Ala (NM_001184892.2); short protein forms T140A, T237A, T138A.
Identifiers: ClinVar variation 3698848 (VCV003698848.3).